The following is an entry in ClinVar:

NM_001347721.2(DYRK1A):c.2098C>T (p.Arg700Cys)

Gene: DYRK1A (dual specificity tyrosine phosphorylation regulated kinase 1A; plus strand). Cytogenetic location: 21q22.13.
Variant type: single nucleotide variant.
Coding change: c.2098C>T on transcript NM_001347721.2 (MANE Select); coding-DNA position 2098, C replaced by T.
Protein change: p.Arg700Cys; replaces arginine 700 with cysteine.
Molecular consequence: missense variant. On other transcripts: 3 prime UTR variant (2).
Genome position (GRCh38, 1-based): chr21:37,512,364, C>T. VCF-style: chr21-37512364-C-T. GRCh37 (hg19) VCF-style: chr21-38884667-C-T.
Other names: c.2098C>T, p.Arg700Cys (NM_001347722.2, NM_130436.2); c.2011C>T, p.Arg671Cys (NM_001347723.2); c.2125C>T, p.Arg709Cys (NM_001396.5); c.*501C>T (NM_101395.2); c.*410C>T (NM_130438.2); short protein forms R709C, R671C, R700C.
Identifiers: ClinVar variation 641739 (VCV000641739.13), dbSNP rs781697806, ClinGen allele CA10024166.

ClinVar aggregate classification (germline): Uncertain significance. Review status: criteria provided, multiple submitters, no conflicts (2 of 4 stars). 2 submissions from 2 submitters: Uncertain significance (2). Last evaluated 2025-09-12.

Conditions:
DYRK1A-related intellectual disability syndrome (MRD7). Also called: DYRK1A Syndrome; Intellectual developmental disorder, autosomal dominant 7. Identifiers: Orphanet 464306, MedGen C5568143, MONDO:0013578, OMIM 614104.

Allele frequency attached by ClinVar (database versions not stated): ExAC 0.00001; gnomAD 0.00001; gnomAD exomes 0.00001; TOPMed 0.00002.
gnomAD v4.1: 17 of 1,614,098 alleles (0.0011%); highest among the groups gnomAD compares: Admixed American, 0.0017%; no homozygotes.

Submissions (2):

Labcorp Genetics (formerly Invitae), Labcorp
Classification: Uncertain significance for DYRK1A-related intellectual disability syndrome. Last evaluated: 2025-09-12. Review status: criteria provided, single submitter. Criteria: Invitae Variant Classification Sherloc (09022015). Collection method: clinical testing. Allele origin: germline.
Comment: This sequence change replaces arginine, which is basic and polar, with cysteine, which is neutral and slightly polar, at codon 709 of the DYRK1A protein (p.Arg709Cys). This variant is present in population databases (rs781697806, gnomAD 0.002%). This variant has not been reported in the literature in individuals affected with DYRK1A-related conditions. ClinVar contains an entry for this variant (Variation ID: 641739). Invitae Evidence Modeling of protein sequence and biophysical properties (such as structural, functional, and spatial information, amino acid conservation, physicochemical variation, residue mobility, and thermodynamic stability) indicates that this missense variant is not expected to disrupt DYRK1A protein function with a negative predictive value of 95%. In summary, the available evidence is currently insufficient to determine the role of this variant in disease. Therefore, it has been classified as a Variant of Uncertain Significance.

New York Genome Center
Classification: Uncertain significance for DYRK1A-related intellectual disability syndrome. Last evaluated: 2019-05-30. Review status: criteria provided, single submitter. Criteria: NYGC Assertion Criteria 2020. Collection method: clinical testing. Allele origin: germline. Observed: 1 heterozygote. Study: CSER-NYCKidSeq.
Comment: The c.2125C>T (p.Arg709Cys) variant identified in the DYRK1A gene substitutes a highly conserved Arginine for Cysteine at amino acid 709/764 (coding exon 12/12). It is found with low frequency in gnomAD (2 heterozygotes, 0 homozygotes; allele frequency:7.953e-6) and ExAC (1 heterozygote, 0 homozygotes; allele frequency: 8.23e-6), suggesting it is not a common benign variant in the populations represented in these dataases. In silico algorithms do not agree on the affect of this variant on the function of the canonical transcript, as it is predicted both Neutral (Provean; score: -1.14) and Damaging (SIFT; score:0.000). This variant is absent from ClinVar and to our current knowledge has not been identified in affected individuals in the literature. Given the lack of compelling information regarding the pathogenicity of this variant, it is reported here as a Varaint of Uncertain Significance.